The following is an entry in ClinVar:

NM_004444.5(EPHB4):c.1394T>C (p.Leu465Pro)

Gene: EPHB4 (EPH receptor B4; minus strand). Cytogenetic location: 7q22.1.
Variant type: single nucleotide variant.
Coding change: c.1394T>C on transcript NM_004444.5 (MANE Select); coding-DNA position 1394, T replaced by C.
Protein change: p.Leu465Pro; replaces leucine 465 with proline.
Molecular consequence: missense variant.
Genome position (GRCh38, 1-based): chr7:100,818,548, A>G on the plus strand (T>C on the coding strand, the complement: EPHB4 is on the minus strand). VCF-style: chr7-100818548-A-G. GRCh37 (hg19) VCF-style: chr7-100416170-A-G.
Other names: short protein forms L465P.
Identifiers: ClinVar variation 3694579 (VCV003694579.2).

ClinVar aggregate classification (germline): Uncertain significance (1 of 4 stars; one submission).

Submission:

Labcorp Genetics (formerly Invitae), Labcorp
Classification: Uncertain significance. Last evaluated: 2024-11-03. Review status: criteria provided, single submitter. Criteria: Invitae Variant Classification Sherloc (09022015). Collection method: clinical testing. Allele origin: germline.
Comment: This sequence change replaces leucine, which is neutral and non-polar, with proline, which is neutral and non-polar, at codon 465 of the EPHB4 protein (p.Leu465Pro). This variant is not present in population databases (gnomAD no frequency). This variant has not been reported in the literature in individuals affected with EPHB4-related conditions. Invitae Evidence Modeling of protein sequence and biophysical properties (such as structural, functional, and spatial information, amino acid conservation, physicochemical variation, residue mobility, and thermodynamic stability) has been performed for this missense variant. However, the output from this modeling did not meet the statistical confidence thresholds required to predict the impact of this variant on EPHB4 protein function. In summary, the available evidence is currently insufficient to determine the role of this variant in disease. Therefore, it has been classified as a Variant of Uncertain Significance.